The following is an entry in ClinVar:

ClinVar aggregate classification (germline): Uncertain significance (1 of 4 stars; one submission).

Conditions:
Pheochromocytoma. Also called: MAX-Related Hereditary Paraganglioma-Pheochromocytoma Syndrome. Identifiers: Orphanet 29072, MedGen C0031511, MONDO:0008233, OMIM 171300, HP:0002666.
Cowden syndrome 3 (CWS3). Identifiers: Orphanet 201, MedGen CN166604, MONDO:0014045.
Carney-Stratakis syndrome. Also called: PARAGANGLIOMA AND GASTROINTESTINAL STROMAL TUMOR. Identifiers: Orphanet 97286, MedGen C1847319, MONDO:0011740, OMIM 606864.
Paragangliomas with sensorineural hearing loss. Identifiers: MedGen C1868633.

Submission:

Labcorp Genetics (formerly Invitae), Labcorp
Classification: Uncertain significance for Carney-Stratakis syndrome; Paragangliomas with sensorineural hearing loss; Pheochromocytoma; Cowden syndrome 3. Last evaluated: 2022-10-07. Review status: criteria provided, single submitter. Criteria: Invitae Variant Classification Sherloc (09022015). Collection method: clinical testing. Allele origin: germline.
Comment: This sequence change replaces serine, which is neutral and polar, with arginine, which is basic and polar, at codon 68 of the SDHD protein (p.Ser68Arg). This variant is not present in population databases (gnomAD no frequency). This variant has not been reported in the literature in individuals affected with SDHD-related conditions. Advanced modeling of protein sequence and biophysical properties (such as structural, functional, and spatial information, amino acid conservation, physicochemical variation, residue mobility, and thermodynamic stability) has been performed at Invitae for this missense variant, however the output from this modeling did not meet the statistical confidence thresholds required to predict the impact of this variant on SDHD protein function. In summary, the available evidence is currently insufficient to determine the role of this variant in disease. Therefore, it has been classified as a Variant of Uncertain Significance.

NM_003002.4(SDHD):c.204C>A (p.Ser68Arg)

Gene: SDHD (succinate dehydrogenase complex subunit D; plus strand). Cytogenetic location: 11q23.1.
Variant type: single nucleotide variant.
Coding change: c.204C>A on transcript NM_003002.4 (MANE Select); coding-DNA position 204, C replaced by A.
Protein change: p.Ser68Arg; replaces serine 68 with arginine.
Molecular consequence: missense variant. On other transcripts: non-coding transcript variant (1), intron variant (1).
Genome position (GRCh38, 1-based): chr11:112,088,901, C>A. VCF-style: chr11-112088901-C-A. GRCh37 (hg19) VCF-style: chr11-111959625-C-A.
Other names: c.87C>A, p.Ser29Arg (NM_001276504.2); c.204C>A, p.Ser68Arg (NM_001276506.2); c.169+928C>A (NM_001276503.2); short protein forms S29R, S68R.
Identifiers: ClinVar variation 1965210 (VCV001965210.5), dbSNP rs9919552, ClinGen allele CA382617223.